The following is an entry in ClinVar:

NM_015459.5(ATL3):c.260A>G (p.Gln87Arg)

Gene: ATL3 (atlastin GTPase 3; minus strand). Cytogenetic location: 11q13.1.
Variant type: single nucleotide variant.
Coding change: c.260A>G on transcript NM_015459.5 (MANE Select); coding-DNA position 260, A replaced by G.
Protein change: p.Gln87Arg; replaces glutamine 87 with arginine.
Molecular consequence: missense variant.
Genome position (GRCh38, 1-based): chr11:63,659,039, T>C on the plus strand (A>G on the coding strand, the complement: ATL3 is on the minus strand). VCF-style: chr11-63659039-T-C. GRCh37 (hg19) VCF-style: chr11-63426511-T-C.
Other names: c.206A>G, p.Gln69Arg (NM_001290048.2); short protein forms Q87R, Q69R.
Identifiers: ClinVar variation 1361063 (VCV001361063.8), dbSNP rs1940342841, ClinGen allele CA381030553.

ClinVar aggregate classification (germline): Uncertain significance (1 of 4 stars; one submission).

Conditions:
Neuropathy, hereditary sensory, type 1F. Also called: Hereditary sensory neuropathy type IF; HSN IF. Identifiers: Orphanet 36386, MedGen C3810194, MONDO:0014286, OMIM 615632.

Allele frequency attached by ClinVar (database versions not stated): gnomAD 0.00001.
gnomAD v4.1: 1 of 1,612,712 alleles (0.000062%); highest among the groups gnomAD compares: African/African-American, 0.0013%; no homozygotes.

Submission:

Labcorp Genetics (formerly Invitae), Labcorp
Classification: Uncertain significance for Neuropathy, hereditary sensory, type 1F. Last evaluated: 2023-12-06. Review status: criteria provided, single submitter. Criteria: Invitae Variant Classification Sherloc (09022015). Collection method: clinical testing. Allele origin: germline.
Comment: This sequence change replaces glutamine, which is neutral and polar, with arginine, which is basic and polar, at codon 87 of the ATL3 protein (p.Gln87Arg). This variant is not present in population databases (gnomAD no frequency). This variant has not been reported in the literature in individuals affected with ATL3-related conditions. ClinVar contains an entry for this variant (Variation ID: 1361063). An algorithm developed to predict the effect of missense changes on protein structure and function (PolyPhen-2) suggests that this variant is likely to be tolerated. In summary, the available evidence is currently insufficient to determine the role of this variant in disease. Therefore, it has been classified as a Variant of Uncertain Significance.